The following is an entry in ClinVar:

ClinVar aggregate classification (germline): Uncertain significance (1 of 4 stars; one submission).

Allele frequency attached by ClinVar (database versions not stated): TOPMed 0.00001.

Submission:

Labcorp Genetics (formerly Invitae), Labcorp
Classification: Uncertain significance. Last evaluated: 2022-09-27. Review status: criteria provided, single submitter. Criteria: Invitae Variant Classification Sherloc (09022015). Collection method: clinical testing. Allele origin: germline.
Comment: In summary, the available evidence is currently insufficient to determine the role of this variant in disease. Therefore, it has been classified as a Variant of Uncertain Significance. Variants that disrupt the consensus splice site are a relatively common cause of aberrant splicing (PMID: 17576681, 9536098). Algorithms developed to predict the effect of sequence changes on RNA splicing suggest that this variant may disrupt the consensus splice site. This variant has not been reported in the literature in individuals affected with IFT74-related conditions. This variant is not present in population databases (gnomAD no frequency). This sequence change falls in intron 8 of the IFT74 gene. It does not directly change the encoded amino acid sequence of the IFT74 protein. It affects a nucleotide within the consensus splice site.

Literature cited by the submitters: PubMed 17576681; PubMed 9536098.

NM_025103.4(IFT74):c.587+2dup

Gene: IFT74 (intraflagellar transport 74; plus strand). Cytogenetic location: 9p21.2.
Variant type: Duplication.
Coding change: c.587+2dup on transcript NM_025103.4 (MANE Select); the canonical splice donor site of the intron after coding-DNA position 587, one base duplicated (T; older notation c.587+2dupT).
Molecular consequence: splice donor variant.
Genome position (GRCh38, 1-based): chr9:26,990,197, T duplicated. VCF-style (leftmost placement, unchanged base first): chr9-26990196-G-GT. GRCh37 (hg19) VCF-style: chr9-26990194-G-GT.
Other names: c.587+2dup (NM_001099223.3, NM_001099222.3, NM_001349928.2 and 1 more transcripts).
Identifiers: ClinVar variation 1921228 (VCV001921228.5), dbSNP rs1827804963, ClinGen allele CA1841923726.